The following is an entry in ClinVar:

ClinVar aggregate classification (germline): Likely benign (1 of 4 stars; one submission).

Allele frequency attached by ClinVar (database versions not stated): ExAC 0.00013.
gnomAD v4.1: 70 of 1,572,598 alleles (0.0045%); highest among the groups gnomAD compares: African/African-American, 0.0054%; no homozygotes.

Submission:

CeGaT Center for Human Genetics Tuebingen
Classification: Likely benign. Last evaluated: 2022-07-01. Review status: criteria provided, single submitter. Criteria: CeGaT Center For Human Genetics Tuebingen Variant Classification Criteria Version 2. Collection method: clinical testing. Allele origin: germline. Affected: yes. Observed: 1 variant allele.
Comment: GRB7: BP4

NM_005310.5(GRB7):c.307-5C>T

Gene: GRB7 (growth factor receptor bound protein 7; plus strand). Cytogenetic location: 17q12.
Variant type: single nucleotide variant.
Coding change: c.307-5C>T on transcript NM_005310.5 (MANE Select); 5 bases into the intron before coding-DNA position 307, C replaced by T.
Molecular consequence: intron variant.
Genome position (GRCh38, 1-based): chr17:39,742,893, C>T. VCF-style: chr17-39742893-C-T. GRCh37 (hg19) VCF-style: chr17-37899146-C-T.
Other names: c.307-5C>T (NM_001330207.2, NM_001030002.3, NM_001242443.2); c.376-5C>T (NM_001242442.2).
Identifiers: ClinVar variation 2647723 (VCV002647723.24), dbSNP rs770850200, ClinGen allele CA8534894.